The following is an entry in ClinVar:

NM_001267550.2(TTN):c.11311+4582C>T

Gene: TTN (titin; minus strand). Cytogenetic location: 2q31.2.
Variant type: single nucleotide variant.
Coding change: c.11311+4582C>T on transcript NM_001267550.2 (MANE Select); 4582 bases into the intron after coding-DNA position 11311, C replaced by T.
Molecular consequence: intron variant. On other transcripts: nonsense (1).
Genome position (GRCh38, 1-based): chr2:178,748,542, G>A on the plus strand (C>T on the coding strand, the complement: TTN is on the minus strand). VCF-style: chr2-178748542-G-A. GRCh37 (hg19) VCF-style: chr2-179613269-G-A.
Other names: c.13858C>T, p.Gln4620Ter (NM_133379.5); c.10222+4582C>T (NM_003319.4); c.10798+4582C>T (NM_133437.4); c.10597+4582C>T (NM_133432.3); c.10360+4582C>T (NM_133378.4, NM_001256850.1); short protein forms Q4620*.
Identifiers: ClinVar variation 4686114 (VCV004686114.1).
Genomic context (GRCh38, chr2:178,748,542, plus strand): 5'-GTTCCCTAGTTTCTTGCCCTTGGAACTCCAGAGCTGGATCTCCTATATGAGAATACATTT[G>A]TTTTAGATCAAATACAATGTTCTCAGTGTCAGCAGGATGTTGGATTTTAAAATAAGCTTC-3'

ClinVar aggregate classification (germline): Uncertain significance (1 of 4 stars; one submission).

Submission:

GeneDx
Classification: Uncertain significance. Last evaluated: 2025-07-17. Review status: criteria provided, single submitter. Criteria: GeneDx Variant Classification Process June 2021. Collection method: clinical testing. Allele origin: germline. Affected: yes.
Comment: Not observed at significant frequency in large population cohorts (gnomAD); Nonsense variant predicted to result in protein truncation as the last 985 amino acid(s) are lost; Has not been previously published as pathogenic or benign to our knowledge; Reported using an alternate transcript of the gene